The following is an entry in ClinVar:

NM_004646.4(NPHS1):c.2928G>C (p.Arg976Ser)

Gene: NPHS1 (NPHS1 adhesion molecule, nephrin; minus strand). Cytogenetic location: 19q13.12.
Variant type: single nucleotide variant.
Coding change: c.2928G>C on transcript NM_004646.4 (MANE Select); coding-DNA position 2928, G replaced by C.
Protein change: p.Arg976Ser; replaces arginine 976 with serine.
Molecular consequence: missense variant.
Genome position (GRCh38, 1-based): chr19:35,839,418, C>G on the plus strand (G>C on the coding strand, the complement: NPHS1 is on the minus strand). VCF-style: chr19-35839418-C-G. GRCh37 (hg19) VCF-style: chr19-36330320-C-G.
Other names: short protein forms R976S.
Identifiers: ClinVar variation 4815385 (VCV004815385.1).

ClinVar aggregate classification (germline): Likely pathogenic (1 of 4 stars; one submission).

Conditions:
Finnish congenital nephrotic syndrome (NPHS1). Also called: NEPHROTIC SYNDROME, TYPE 1. Identifiers: Orphanet 839, MedGen C0403399, MONDO:0009732, OMIM 256300.

Submission:

Natera, Inc.
Classification: Likely pathogenic for Finnish congenital nephrotic syndrome. Last evaluated: 2026-01-26. Review status: criteria provided, single submitter. Criteria: Natera Variant Classification Schema (03/2026). Collection method: clinical testing. Allele origin: germline.
Comment: The c.2928G>C variant in NPHS1 is a missense variant predicted to cause substitution of arginine to serine at amino acid 976. This variant is rare in the general population with a frequency below the threshold expected for the associated phenotype(s). Another variant at this same site results in an alteration predicted to cause a similar molecular effect has been observed in individual(s) with the associated phenotype. Computational prediction algorithms indicate this variant is likely to affect gene or protein function. Given the available evidence, this variant is classified as Likely Pathogenic.